The following is an entry in ClinVar:

ClinVar aggregate classification (germline): Likely pathogenic (1 of 4 stars; one submission).

Conditions:
ZEB1-related disorder. Also called: ZEB1-related condition.

Submission:

PreventionGenetics, part of Exact Sciences
Classification: Likely pathogenic for ZEB1-related condition. Last evaluated: 2025-12-11. Review status: criteria provided, single submitter. Criteria: ACMG Guidelines, 2015. Collection method: clinical testing. Allele origin: germline.
Comment: The ZEB1 c.2537C>G variant is predicted to result in premature protein termination (p.Ser846*). To our knowledge, this variant has not been reported in the literature or in a large population database (gnomAD), indicating this variant is rare. Nonsense variants in ZEB1 are expected to be pathogenic. This variant is interpreted as likely pathogenic.

NM_001174096.2(ZEB1):c.2540C>G (p.Ser847Ter)

Gene: ZEB1 (zinc finger E-box binding homeobox 1; plus strand). Cytogenetic location: 10p11.22.
Variant type: single nucleotide variant.
Coding change: c.2540C>G on transcript NM_001174096.2 (MANE Select); coding-DNA position 2540, C replaced by G.
Protein change: p.Ser847Ter; replaces serine 847 with a stop codon.
Molecular consequence: nonsense.
Genome position (GRCh38, 1-based): chr10:31,521,872, C>G. VCF-style: chr10-31521872-C-G. GRCh37 (hg19) VCF-style: chr10-31810800-C-G.
Other names: c.2489C>G, p.Ser830Ter (NM_001128128.3); c.2477C>G, p.Ser826Ter (NM_001174093.2); c.2486C>G, p.Ser829Ter (NM_001174094.2); c.2336C>G, p.Ser779Ter (NM_001174095.2); c.1883C>G, p.Ser628Ter (NM_001323638.2, NM_001323641.2, NM_001323642.2 and 27 more transcripts); c.2315C>G, p.Ser772Ter (NM_001323674.2); c.2273C>G, p.Ser758Ter (NM_001323675.2); c.2498C>G, p.Ser833Ter (NM_001323676.2); and 3 more; short protein forms S755*, S758*, S829*, S832*, S772*, S826*, S833*, S846*.
Identifiers: ClinVar variation 4992866 (VCV004992866.1).